The following is an entry in ClinVar:

ClinVar aggregate classification (germline): Uncertain significance (1 of 4 stars; one submission).

Conditions:
Inborn genetic diseases. Identifiers: MedGen C0950123, MeSH D030342.

Allele frequency attached by ClinVar (database versions not stated): gnomAD exomes below 0.00001; ExAC 0.00001.
gnomAD v4.1: 4 of 1,607,814 alleles (0.00025%); highest among the groups gnomAD compares: South Asian, 0.0022%; no homozygotes.

Submission:

Ambry Genetics
Classification: Uncertain significance for Inborn genetic diseases. Last evaluated: 2021-10-08. Review status: criteria provided, single submitter. Criteria: Ambry Variant Classification Scheme 2023. Collection method: clinical testing. Allele origin: germline.
Comment: The c.3392G>A (p.R1131H) alteration is located in exon 4 (coding exon 4) of the PRR12 gene. This alteration results from a G to A substitution at nucleotide position 3392, causing the arginine (R) at amino acid position 1131 to be replaced by a histidine (H). Based on data from gnomAD, the A allele has an overall frequency of <0.01% (2/233248) total alleles studied. This amino acid position is highly conserved in available vertebrate species. This alteration is predicted to be tolerated by in silico analysis. Based on insufficient or conflicting evidence, the clinical significance of this alteration remains unclear.

NM_020719.3(PRR12):c.3392G>A (p.Arg1131His)

Gene: PRR12 (proline rich 12; plus strand). Cytogenetic location: 19q13.33.
Variant type: single nucleotide variant.
Coding change: c.3392G>A on transcript NM_020719.3 (MANE Select); coding-DNA position 3392, G replaced by A.
Protein change: p.Arg1131His; replaces arginine 1131 with histidine.
Molecular consequence: missense variant.
Genome position (GRCh38, 1-based): chr19:49,597,727, G>A. VCF-style: chr19-49597727-G-A. GRCh37 (hg19) VCF-style: chr19-50100984-G-A.
Other names: short protein forms R1131H.
Identifiers: ClinVar variation 2230960 (VCV002230960.2), dbSNP rs758117305, ClinGen allele CA9578285.